The following is an entry in ClinVar:

ClinVar aggregate classification (germline): Uncertain significance. Review status: criteria provided, multiple submitters, no conflicts (2 of 4 stars). 2 submissions from 2 submitters: Uncertain significance (2). Last evaluated 2025-05-14.

Conditions:
Inborn genetic diseases. Identifiers: MedGen C0950123, MeSH D030342.
Multiple congenital anomalies-hypotonia-seizures syndrome 1 (MCAHS1). Also called: PIGN-CDG; Congenital disorder of glycosylation due to PIGN deficiency; GLYCOSYLPHOSPHATIDYLINOSITOL BIOSYNTHESIS DEFECT 3. Identifiers: Orphanet 280633, MedGen C3279775, MONDO:0013563, OMIM 614080.

Submissions (2):

Ambry Genetics
Classification: Uncertain significance for Inborn genetic diseases. Last evaluated: 2025-05-14. Review status: criteria provided, single submitter. Criteria: Ambry Variant Classification Scheme 2023. Collection method: clinical testing. Allele origin: germline.

Labcorp Genetics (formerly Invitae), Labcorp
Classification: Uncertain significance for Multiple congenital anomalies-hypotonia-seizures syndrome 1. Last evaluated: 2022-07-16. Review status: criteria provided, single submitter. Criteria: Invitae Variant Classification Sherloc (09022015). Collection method: clinical testing. Allele origin: germline.
Comment: This sequence change replaces alanine, which is neutral and non-polar, with threonine, which is neutral and polar, at codon 100 of the PIGN protein (p.Ala100Thr). This variant is not present in population databases (gnomAD no frequency). This variant has not been reported in the literature in individuals affected with PIGN-related conditions. Algorithms developed to predict the effect of missense changes on protein structure and function are either unavailable or do not agree on the potential impact of this missense change (SIFT: "Not Available"; PolyPhen-2: "Probably Damaging"; Align-GVGD: "Not Available"). In summary, the available evidence is currently insufficient to determine the role of this variant in disease. Therefore, it has been classified as a Variant of Uncertain Significance.

NM_176787.5(PIGN):c.298G>A (p.Ala100Thr)

Gene: PIGN (phosphatidylinositol glycan anchor biosynthesis class N; minus strand). Cytogenetic location: 18q21.33.
Variant type: single nucleotide variant.
Coding change: c.298G>A on transcript NM_176787.5 (MANE Select); coding-DNA position 298, G replaced by A.
Protein change: p.Ala100Thr; replaces alanine 100 with threonine.
Molecular consequence: missense variant.
Genome position (GRCh38, 1-based): chr18:62,157,732, C>T on the plus strand (G>A on the coding strand, the complement: PIGN is on the minus strand). VCF-style: chr18-62157732-C-T. GRCh37 (hg19) VCF-style: chr18-59824965-C-T.
Other names: c.298G>A, p.Ala100Thr (NM_012327.6); c.298G>A (NM_176787.4); short protein forms A100T.
Identifiers: ClinVar variation 1716035 (VCV001716035.4), dbSNP rs2514280957, ClinGen allele CA402603713.